The following is an entry in ClinVar:

ClinVar aggregate classification (germline): Uncertain significance (1 of 4 stars; one submission).

Allele frequency attached by ClinVar (database versions not stated): gnomAD 0.00001; gnomAD exomes 0.00001.

Submission:

Labcorp Genetics (formerly Invitae), Labcorp
Classification: Uncertain significance. Last evaluated: 2022-08-16. Review status: criteria provided, single submitter. Criteria: Invitae Variant Classification Sherloc (09022015). Collection method: clinical testing. Allele origin: germline.
Comment: In summary, the available evidence is currently insufficient to determine the role of this variant in disease. Therefore, it has been classified as a Variant of Uncertain Significance. Algorithms developed to predict the effect of missense changes on protein structure and function (SIFT, PolyPhen-2, Align-GVGD) all suggest that this variant is likely to be tolerated. ClinVar contains an entry for this variant (Variation ID: 1504107). This variant has not been reported in the literature in individuals affected with HACD1-related conditions. The frequency data for this variant in the population databases is considered unreliable, as metrics indicate poor data quality at this position in the gnomAD database. This sequence change replaces arginine, which is basic and polar, with lysine, which is basic and polar, at codon 66 of the HACD1 protein (p.Arg66Lys).

NM_014241.4(HACD1):c.197G>A (p.Arg66Lys)

Genes: HACD1 (3-hydroxyacyl-CoA dehydratase 1; minus strand), LOC130003454 (ATAC-STARR-seq lymphoblastoid silent region 2183; plus strand). Cytogenetic location: 10p12.33.
Variant type: single nucleotide variant.
Coding change: c.197G>A on transcript NM_014241.4 (MANE Select); coding-DNA position 197, G replaced by A.
Protein change: p.Arg66Lys; replaces arginine 66 with lysine.
Molecular consequence: missense variant.
Genome position (GRCh38, 1-based): chr10:17,617,143, C>T on the plus strand (G>A on the coding strand, the complement: HACD1 is on the minus strand). VCF-style: chr10-17617143-C-T. GRCh37 (hg19) VCF-style: chr10-17659142-C-T.
Other names: short protein forms R66K.
Identifiers: ClinVar variation 1504107 (VCV001504107.8), dbSNP rs1554818204, ClinGen allele CA376207750.
Genomic context (GRCh38, chr10:17,617,143, plus strand): 5'-CCCGCGGTCATGGCGATGTCGTAGAAGGTGAGCCAGGCGGTGGCCAAGACCCCCAGGCGC[C>T]TCCGCTCGCCGGGAGCCTCCCGGTCCTCGCCGGCCTCCGAGGCGCCGCCGTTGGTGCCGT-3'
Protein context (NP_055056.3, residues 56-76): GEDREAPGER[Arg66Lys]RLGVLATAWL